The following is an entry in ClinVar:

ClinVar aggregate classification (germline): Likely benign. Review status: criteria provided, single submitter (1 of 4 stars). 2 submissions from 2 submitters: Likely benign (1). 1 of the submissions does not count toward it. Last evaluated 2024-01-19.

Conditions:
RAI1-related disorder. Also called: RAI1-related condition.

Allele frequency attached by ClinVar (database versions not stated): gnomAD exomes below 0.00001.
gnomAD v4.1: 2 of 1,611,126 alleles (0.00012%); highest among the groups gnomAD compares: Admixed American, 0.0033%; no homozygotes.

Submissions (2):

Labcorp Genetics (formerly Invitae), Labcorp
Classification: Likely benign. Last evaluated: 2024-01-19. Review status: criteria provided, single submitter. Criteria: Invitae Variant Classification Sherloc (09022015). Collection method: clinical testing. Allele origin: germline.

PreventionGenetics, part of Exact Sciences
Classification: Likely benign for RAI1-related condition. Last evaluated: 2022-06-02. Review status: no assertion criteria provided. Collection method: clinical testing. Allele origin: germline. Not counted in ClinVar's aggregate classification.
Comment: This variant is classified as likely benign based on ACMG/AMP sequence variant interpretation guidelines (Richards et al. 2015 PMID: 25741868, with internal and published modifications).

NM_030665.4(RAI1):c.3609A>G (p.Ala1203=)

Gene: RAI1 (retinoic acid induced 1; plus strand). Cytogenetic location: 17p11.2.
Variant type: single nucleotide variant.
Coding change: c.3609A>G on transcript NM_030665.4 (MANE Select); coding-DNA position 3609, A replaced by G.
Protein change: p.Ala1203=; no amino-acid change (alanine 1203 retained).
Molecular consequence: synonymous variant.
Genome position (GRCh38, 1-based): chr17:17,796,557, A>G. VCF-style: chr17-17796557-A-G. GRCh37 (hg19) VCF-style: chr17-17699871-A-G.
Other names: c.3609A>G (NM_030665.3).
Identifiers: ClinVar variation 2966464 (VCV002966464.4), dbSNP rs1419864421, ClinGen allele CA498424621.